The following is an entry in ClinVar:

NM_017617.5(NOTCH1):c.3514G>A (p.Val1172Met)

Gene: NOTCH1 (notch receptor 1; minus strand). Cytogenetic location: 9q34.3.
Variant type: single nucleotide variant.
Coding change: c.3514G>A on transcript NM_017617.5 (MANE Select); coding-DNA position 3514, G replaced by A.
Protein change: p.Val1172Met; replaces valine 1172 with methionine.
Molecular consequence: missense variant.
Genome position (GRCh38, 1-based): chr9:136,507,434, C>T on the plus strand (G>A on the coding strand, the complement: NOTCH1 is on the minus strand). VCF-style: chr9-136507434-C-T. GRCh37 (hg19) VCF-style: chr9-139401886-C-T.
Other names: c.3514G>A (NM_017617.3); short protein forms V1172M.
Identifiers: ClinVar variation 1430252 (VCV001430252.9), dbSNP rs1234358553, ClinGen allele CA375550186.

ClinVar aggregate classification (germline): Conflicting classifications of pathogenicity. Review status: criteria provided, conflicting classifications (1 of 4 stars). 2 submissions from 2 submitters: Uncertain significance (1); Likely benign (1). Last evaluated 2024-03-10.

Conditions:
Familial thoracic aortic aneurysm and aortic dissection (TAAD). Also called: Thoracic aortic aneurysms and dissections. Identifiers: Orphanet 91387, MedGen C4707243, MONDO:0019625.
Adams-Oliver syndrome 5 (AOS5). Identifiers: Orphanet 974, MedGen C4014970, MONDO:0014459, OMIM 616028.

Allele frequency attached by ClinVar (database versions not stated): gnomAD 0.00001; gnomAD exomes 0.00001.
gnomAD v4.1: 14 of 1,605,016 alleles (0.00087%); highest among the groups gnomAD compares: African/African-American, 0.0027%; no homozygotes.

Submissions (2):

Ambry Genetics
Classification: Uncertain significance for Familial thoracic aortic aneurysm and aortic dissection. Last evaluated: 2024-03-10. Review status: criteria provided, single submitter. Criteria: Ambry Variant Classification Scheme 2023. Collection method: clinical testing. Allele origin: germline.
Comment: The p.V1172M variant (also known as c.3514G>A), located in coding exon 22 of the NOTCH1 gene, results from a G to A substitution at nucleotide position 3514. The valine at codon 1172 is replaced by methionine, an amino acid with highly similar properties. This amino acid position is conserved. In addition, the in silico prediction for this alteration is inconclusive. Based on the available evidence, the clinical significance of this alteration remains unclear.

Labcorp Genetics (formerly Invitae), Labcorp
Classification: Likely benign for Adams-Oliver syndrome 5. Last evaluated: 2024-02-07. Review status: criteria provided, single submitter. Criteria: Invitae Variant Classification Sherloc (09022015). Collection method: clinical testing. Allele origin: germline.